The following is an entry in ClinVar:

ClinVar aggregate classification (germline): Likely pathogenic (1 of 4 stars; one submission).

Conditions:
Seizures, benign familial infantile, 3 (BFIS3). Also called: Familial neonatal seizures; CONVULSIONS, BENIGN FAMILIAL INFANTILE, 3. Identifiers: Orphanet 140927, Orphanet 306, MedGen C1843140, MONDO:0011904, OMIM 607745.
Developmental and epileptic encephalopathy, 11 (DEE11). Also called: Early infantile epileptic encephalopathy 11. Identifiers: Orphanet 1934, MedGen C3150987, MONDO:0013388, OMIM 613721.

Submission:

Labcorp Genetics (formerly Invitae), Labcorp
Classification: Likely pathogenic for Seizures, benign familial infantile, 3; Developmental and epileptic encephalopathy, 11. Last evaluated: 2023-03-23. Review status: criteria provided, single submitter. Criteria: Invitae Variant Classification Sherloc (09022015). Collection method: clinical testing. Allele origin: germline.
Comment: ClinVar contains an entry for this variant (Variation ID: 1420984). Advanced modeling of protein sequence and biophysical properties (such as structural, functional, and spatial information, amino acid conservation, physicochemical variation, residue mobility, and thermodynamic stability) performed at Invitae indicates that this missense variant is expected to disrupt SCN2A protein function. This variant disrupts the p.Asn212 amino acid residue in SCN2A. Other variant(s) that disrupt this residue have been determined to be pathogenic (PMID: 23935176). This suggests that this residue is clinically significant, and that variants that disrupt this residue are likely to be disease-causing. In summary, the currently available evidence indicates that the variant is pathogenic, but additional data are needed to prove that conclusively. Therefore, this variant has been classified as Likely Pathogenic. This variant has not been reported in the literature in individuals affected with SCN2A-related conditions. This sequence change replaces asparagine, which is neutral and polar, with serine, which is neutral and polar, at codon 212 of the SCN2A protein (p.Asn212Ser). This variant is not present in population databases (gnomAD no frequency).

Literature cited by the submitters: PubMed 23935176.

NM_001040142.2(SCN2A):c.635A>G (p.Asn212Ser)

Gene: SCN2A (sodium voltage-gated channel alpha subunit 2; plus strand). Cytogenetic location: 2q24.3.
Variant type: single nucleotide variant.
Coding change: c.635A>G on transcript NM_001040142.2 (MANE Select); coding-DNA position 635, A replaced by G.
Protein change: p.Asn212Ser; replaces asparagine 212 with serine.
Molecular consequence: missense variant. On other transcripts: intron variant (2).
Genome position (GRCh38, 1-based): chr2:165,309,381, A>G. VCF-style: chr2-165309381-A-G. GRCh37 (hg19) VCF-style: chr2-166165891-A-G.
Other names: c.635A>G, p.Asn212Ser (NM_001371247.1, NM_021007.3); c.697+125A>G (NM_001040143.2, NM_001371246.1); short protein forms N212S.
Identifiers: ClinVar variation 1420984 (VCV001420984.6), dbSNP rs2105244912, ClinGen allele CA349017401.
Genomic context (GRCh38, chr2:165,309,381, plus strand): 5'-ATTGTGTTTGTGTGTGAACCCCCTATTACAGATATGTGACAGAGTTTGTGGACCTGGGCA[A>G]TGTCTCAGCGTTGAGAACATTCAGAGTTCTCCGAGCATTGAAAACAATTTCAGTCATTCC-3'
Protein context (NP_001035232.1, residues 202-222): AYVTEFVDLG[Asn212Ser]VSALRTFRVL